The following is an entry in ClinVar:

ClinVar aggregate classification (germline): Uncertain significance. Review status: criteria provided, multiple submitters, no conflicts (2 of 4 stars). 2 submissions from 2 submitters: Uncertain significance (2). Last evaluated 2021-05-14.

Conditions:
Early-infantile DEE. Also called: Ohtahara syndrome; Early infantile epileptic encephalopathy with suppression bursts; Early infantile epileptic encephalopathy. Identifiers: Orphanet 1934, MedGen C0393706, MONDO:0800491.
Cerebellar atrophy with seizures and variable developmental delay. Identifiers: MedGen C5193132, MONDO:0032788, OMIM 618501.

Allele frequency attached by ClinVar (database versions not stated): gnomAD exomes below 0.00001.
gnomAD v4.1: 1 of 1,544,272 alleles (0.000065%); highest among the groups gnomAD compares: Non-Finnish European, 0.000087%; no homozygotes.

Submissions (2):

New York Genome Center
Classification: Uncertain significance for Cerebellar atrophy with seizures and variable developmental delay. Last evaluated: 2021-05-14. Review status: criteria provided, single submitter. Criteria: NYGC Assertion Criteria 2020. Collection method: clinical testing. Allele origin: inherited. Observed: 1 heterozygote. Study: CSER-NYCKidSeq.

Labcorp Genetics (formerly Invitae), Labcorp
Classification: Uncertain significance for Early-infantile DEE. Last evaluated: 2020-07-21. Review status: criteria provided, single submitter. Criteria: Invitae Variant Classification Sherloc (09022015). Collection method: clinical testing. Allele origin: germline.
Comment: This variant has not been reported in the literature in individuals with CACNA2D2-related conditions. In summary, the available evidence is currently insufficient to determine the role of this variant in disease. Therefore, it has been classified as a Variant of Uncertain Significance. Nucleotide substitutions within the consensus splice site are a relatively common cause of aberrant splicing (PMID: 17576681, 9536098). Algorithms developed to predict the effect of sequence changes on RNA splicing suggest that this variant is not likely to affect RNA splicing, but this prediction has not been confirmed by published transcriptional studies. This variant is not present in population databases (ExAC no frequency). This sequence change falls in intron 7 of the CACNA2D2 gene. It does not directly change the encoded amino acid sequence of the CACNA2D2 protein, but it affects a nucleotide within the consensus splice site of the intron.

Literature cited by the submitters: PubMed 17576681 (cited by Labcorp Genetics (formerly Invitae), Labcorp); PubMed 9536098 (cited by Labcorp Genetics (formerly Invitae), Labcorp).

NM_006030.4(CACNA2D2):c.785-3C>T

Gene: CACNA2D2 (calcium voltage-gated channel auxiliary subunit alpha2delta 2; minus strand). Cytogenetic location: 3p21.31.
Variant type: single nucleotide variant.
Coding change: c.785-3C>T on transcript NM_006030.4 (MANE Select); 3 bases into the intron before coding-DNA position 785, C replaced by T.
Molecular consequence: intron variant.
Genome position (GRCh38, 1-based): chr3:50,380,808, G>A on the plus strand (C>T on the coding strand, the complement: CACNA2D2 is on the minus strand). VCF-style: chr3-50380808-G-A. GRCh37 (hg19) VCF-style: chr3-50418239-G-A.
Other names: c.578-3C>T (NM_001291101.1); c.785-3C>T (NM_001005505.3, NM_001174051.3).
Identifiers: ClinVar variation 1057070 (VCV001057070.7), dbSNP rs1575604704, ClinGen allele CA913103002.